The following is an entry in ClinVar:

ClinVar aggregate classification (germline): Uncertain significance (1 of 4 stars; one submission).

Submission:

Labcorp Genetics (formerly Invitae), Labcorp
Classification: Uncertain significance. Last evaluated: 2022-09-16. Review status: criteria provided, single submitter. Criteria: Invitae Variant Classification Sherloc (09022015). Collection method: clinical testing. Allele origin: germline.
Comment: This variant is not present in population databases (gnomAD no frequency). In summary, the available evidence is currently insufficient to determine the role of this variant in disease. Therefore, it has been classified as a Variant of Uncertain Significance. Advanced modeling of protein sequence and biophysical properties (such as structural, functional, and spatial information, amino acid conservation, physicochemical variation, residue mobility, and thermodynamic stability) performed at Invitae indicates that this missense variant is expected to disrupt COL9A3 protein function. This variant has not been reported in the literature in individuals affected with COL9A3-related conditions. This sequence change replaces glycine, which is neutral and non-polar, with glutamic acid, which is acidic and polar, at codon 602 of the COL9A3 protein (p.Gly602Glu).

NM_001853.4(COL9A3):c.1805G>A (p.Gly602Glu)

Gene: COL9A3 (collagen type IX alpha 3 chain; plus strand). Cytogenetic location: 20q13.33.
Variant type: single nucleotide variant.
Coding change: c.1805G>A on transcript NM_001853.4 (MANE Select); coding-DNA position 1805, G replaced by A.
Protein change: p.Gly602Glu; replaces glycine 602 with glutamic acid.
Molecular consequence: missense variant.
Genome position (GRCh38, 1-based): chr20:62,838,702, G>A. VCF-style: chr20-62838702-G-A. GRCh37 (hg19) VCF-style: chr20-61470054-G-A.
Other names: short protein forms G602E.
Identifiers: ClinVar variation 2159145 (VCV002159145.4), dbSNP rs2063653232, ClinGen allele CA409600113.